The following is an entry in ClinVar:

ClinVar aggregate classification (germline): Uncertain significance (1 of 4 stars; one submission).

Conditions:
Ataxia-telangiectasia syndrome (AT). Also called: Cerebello-oculocutaneous telangiectasia; Immunodeficiency with ataxia telangiectasia; ATAXIA-TELANGIECTASIA, COMPLEMENTATION GROUP A; ATAXIA-TELANGIECTASIA, FRESNO VARIANT; LOUIS-BAR SYNDROME; Ataxia-telangiectasia, complementation group E. Identifiers: Orphanet 100, MedGen C0004135, MONDO:0008840, OMIM 208900.

Allele frequency attached by ClinVar (database versions not stated): TOPMed below 0.00001.

Submission:

Labcorp Genetics (formerly Invitae), Labcorp
Classification: Uncertain significance for Ataxia-telangiectasia syndrome. Last evaluated: 2024-01-09. Review status: criteria provided, single submitter. Criteria: Invitae Variant Classification Sherloc (09022015). Collection method: clinical testing. Allele origin: germline.
Comment: This sequence change replaces methionine, which is neutral and non-polar, with valine, which is neutral and non-polar, at codon 1349 of the ATM protein (p.Met1349Val). This variant is not present in population databases (gnomAD no frequency). This variant has not been reported in the literature in individuals affected with ATM-related conditions. ClinVar contains an entry for this variant (Variation ID: 1009088). An algorithm developed to predict the effect of missense changes on protein structure and function (PolyPhen-2) suggests that this variant is likely to be disruptive. In summary, the available evidence is currently insufficient to determine the role of this variant in disease. Therefore, it has been classified as a Variant of Uncertain Significance.

NM_000051.4(ATM):c.4045A>G (p.Met1349Val)

Gene: ATM (ATM serine/threonine kinase; plus strand). Cytogenetic location: 11q22.3.
Variant type: single nucleotide variant.
Coding change: c.4045A>G on transcript NM_000051.4 (MANE Select); coding-DNA position 4045, A replaced by G.
Protein change: p.Met1349Val; replaces methionine 1349 with valine.
Molecular consequence: missense variant.
Genome position (GRCh38, 1-based): chr11:108,287,651, A>G. VCF-style: chr11-108287651-A-G. GRCh37 (hg19) VCF-style: chr11-108158378-A-G.
Other names: c.4045A>G, p.Met1349Val (NM_001351834.2); short protein forms M1349V.
Identifiers: ClinVar variation 1009088 (VCV001009088.9), dbSNP rs2082561329, ClinGen allele CA382527807.